The following is an entry in ClinVar:

NM_004655.4(AXIN2):c.2023del (p.Arg675fs)

Gene: AXIN2 (axin 2; minus strand). Cytogenetic location: 17q24.1.
Variant type: Deletion.
Coding change: c.2023del on transcript NM_004655.4 (MANE Select); coding-DNA position 2023, one base deleted (C; older notation c.2023delC).
Protein change: p.Arg675fs; shifts the reading frame from arginine 675.
Molecular consequence: frameshift variant.
Genome position (GRCh38, 1-based): chr17:65,536,438, G deleted on the plus strand (C on the coding strand, the reverse complement: AXIN2 is on the minus strand); the first of 6 consecutive G bases (chr17:65,536,438-65,536,443); deleting any one gives the same sequence. VCF-style (leftmost placement, unchanged base first): chr17-65536437-CG-C. GRCh37 (hg19) VCF-style: chr17-63532555-CG-C.
Other names: c.1828del, p.Arg610fs (NM_001363813.1); c.2023delC (NM_004655.3); short protein forms R610fs, R675fs.
Identifiers: ClinVar variation 2566115 (VCV002566115.5), dbSNP rs1555577121, ClinGen allele CA400676140.

ClinVar aggregate classification (germline): Pathogenic/Likely pathogenic. Review status: criteria provided, multiple submitters, no conflicts (2 of 4 stars). 3 submissions from 3 submitters: Pathogenic (2); Likely pathogenic (1). Last evaluated 2025-12-17.

Conditions:
Oligodontia-cancer predisposition syndrome. Also called: TOOTH AGENESIS-COLORECTAL CANCER SYNDROME. Identifiers: Orphanet 300576, MedGen C1837750, MONDO:0012075, OMIM 608615. Disease mechanism: loss of function.
AXIN2-related disorder.
Hereditary cancer-predisposing syndrome. Also called: Tumor predisposition; Hereditary Cancer Syndrome; Neoplastic Syndromes, Hereditary; Hereditary neoplastic syndrome. Identifiers: Orphanet 140162, MedGen C0027672, MeSH D009386, MONDO:0015356.

Submissions (3):

PreventionGenetics, part of Exact Sciences
Classification: Likely pathogenic for AXIN2-related condition. Last evaluated: 2025-12-17. Review status: criteria provided, single submitter. Criteria: ACMG Guidelines, 2015. Collection method: clinical testing. Allele origin: germline.
Comment: The AXIN2 c.2023delC variant is predicted to result in a frameshift and premature protein termination (p.Arg675Valfs*14). To our knowledge, this variant has not been reported in the literature or in a large population database (gnomAD), indicating this variant is rare. Frameshift variants in AXIN2 are expected to be pathogenic. This variant is interpreted as likely pathogenic.

Myriad Genetics, Inc.
Classification: Pathogenic for Oligodontia-cancer predisposition syndrome. Last evaluated: 2023-05-17. Review status: criteria provided, single submitter. Criteria: Myriad Autosomal Dominant, Autosomal Recessive and X-Linked Classification Criteria (2023). Collection method: clinical testing. Allele origin: unknown.
Comment: This variant is considered pathogenic. This variant creates a frameshift predicted to result in premature protein truncation.

Ambry Genetics
Classification: Pathogenic for Hereditary cancer-predisposing syndrome. Last evaluated: 2023-04-11. Review status: criteria provided, single submitter. Criteria: Ambry Variant Classification Scheme 2023. Collection method: clinical testing. Allele origin: germline.
Comment: The c.2023delC pathogenic mutation, located in coding exon 7 of the AXIN2 gene, results from a deletion of one nucleotide at nucleotide position 2023, causing a translational frameshift with a predicted alternate stop codon (p.R675Vfs*14). This variant is considered to be rare based on population cohorts in the Genome Aggregation Database (gnomAD). This alteration is expected to result in loss of function by premature protein truncation or nonsense-mediated mRNA decay. As such, this alteration is interpreted as a disease-causing mutation.